The following is an entry in ClinVar:

ClinVar aggregate classification (germline): Likely benign. Review status: criteria provided, multiple submitters, no conflicts (2 of 4 stars). 3 submissions from 3 submitters: Likely benign (2). 1 of the submissions does not count toward it. Last evaluated 2022-12-01.

Conditions:
MYO5A-related disorder. Also called: MYO5A-related condition.
Congenital heart disease (CHD). Identifiers: MedGen C0152021, MONDO:0005453. Disease mechanism: unknown.

Allele frequency attached by ClinVar (database versions not stated): TOPMed 0.00009; gnomAD 0.00029; 1000 Genomes Project 30x 0.00187; 1000 Genomes Project 0.00240.
gnomAD v4.1: 663 of 1,613,734 alleles (0.041%); highest among the groups gnomAD compares: South Asian, 0.66%; 11 homozygotes.

Submissions (3):

CeGaT Center for Human Genetics Tuebingen
Classification: Likely benign. Last evaluated: 2022-12-01. Review status: criteria provided, single submitter. Criteria: CeGaT Center For Human Genetics Tuebingen Variant Classification Criteria Version 2. Collection method: clinical testing. Allele origin: germline. Affected: yes. Observed: 1 variant allele.
Comment: MYO5A: PP2, BP4, BS2

Cambridge Genomics Laboratory, East Genomic Laboratory Hub, NHS Genomic Medicine Service
Classification: Likely benign for Congenital heart disease. Last evaluated: 2019-12-13. Review status: criteria provided, single submitter. Criteria: ACGS Best Practice Guidelines for Variant Classification in Rare Disease 2020. Collection method: clinical testing. Allele origin: germline. Affected: yes. Observed: 1 variant allele.

PreventionGenetics, part of Exact Sciences
Classification: Benign for MYO5A-related condition. Last evaluated: 2019-06-07. Review status: no assertion criteria provided. Collection method: clinical testing. Allele origin: germline. Not counted in ClinVar's aggregate classification.
Comment: This variant is classified as benign based on ACMG/AMP sequence variant interpretation guidelines (Richards et al. 2015 PMID: 25741868, with internal and published modifications).

NM_001382347.1(MYO5A):c.3131G>A (p.Arg1044His)

Gene: MYO5A (myosin VA; minus strand). Cytogenetic location: 15q21.2.
Variant type: single nucleotide variant.
Coding change: c.3131G>A on transcript NM_001382347.1 (MANE Select); coding-DNA position 3131, G replaced by A.
Protein change: p.Arg1044His; replaces arginine 1044 with histidine.
Molecular consequence: missense variant.
Genome position (GRCh38, 1-based): chr15:52,367,060, C>T on the plus strand (G>A on the coding strand, the complement: MYO5A is on the minus strand). VCF-style: chr15-52367060-C-T. GRCh37 (hg19) VCF-style: chr15-52659257-C-T.
Other names: c.3131G>A, p.Arg1044His (NM_000259.3, NM_001142495.2, NM_001411135.1); c.3203G>A, p.Arg1068His (NM_001382348.1, NM_001382349.1); short protein forms R1044H, R1068H.
Identifiers: ClinVar variation 2645359 (VCV002645359.26), dbSNP rs577978373, ClinGen allele CA7568515.
Genomic context (GRCh38, chr15:52,367,060, plus strand): 5'-GGTTGGCGTGTAGTACGCATATAAGCTTTACCTGTCATCTCCTTAGCCTGCTGCACGATG[C>T]GGTGATTGAGGGCTTCTTTTTCTTGCTTCAGCAAAGTATTTTCTTCCTTCAGATTTGATA-3'
Protein context (NP_001369276.1, residues 1034-1054): LKQEKEALNH[Arg1044His]IVQQAKEMTE